The following is an entry in ClinVar:

NM_002055.5(GFAP):c.200C>G (p.Ala67Gly)

Gene: GFAP (glial fibrillary acidic protein; minus strand). Cytogenetic location: 17q21.31.
Variant type: single nucleotide variant.
Coding change: c.200C>G on transcript NM_002055.5 (MANE Select); coding-DNA position 200, C replaced by G.
Protein change: p.Ala67Gly; replaces alanine 67 with glycine.
Molecular consequence: missense variant.
Genome position (GRCh38, 1-based): chr17:44,915,287, G>C on the plus strand (C>G on the coding strand, the complement: GFAP is on the minus strand). VCF-style: chr17-44915287-G-C. GRCh37 (hg19) VCF-style: chr17-42992655-G-C.
Other names: c.200C>G, p.Ala67Gly (NM_001131019.3, NM_001242376.3, NM_001363846.2); short protein forms A67G.
Identifiers: ClinVar variation 2739841 (VCV002739841.3), dbSNP rs2508949991, ClinGen allele CA399848825.

ClinVar aggregate classification (germline): Uncertain significance (1 of 4 stars; one submission).

Submission:

Labcorp Genetics (formerly Invitae), Labcorp
Classification: Uncertain significance. Last evaluated: 2023-10-17. Review status: criteria provided, single submitter. Criteria: Invitae Variant Classification Sherloc (09022015). Collection method: clinical testing. Allele origin: germline.
Comment: This sequence change replaces alanine, which is neutral and non-polar, with glycine, which is neutral and non-polar, at codon 67 of the GFAP protein (p.Ala67Gly). This variant is not present in population databases (gnomAD no frequency). This variant has not been reported in the literature in individuals affected with GFAP-related conditions. Advanced modeling of protein sequence and biophysical properties (such as structural, functional, and spatial information, amino acid conservation, physicochemical variation, residue mobility, and thermodynamic stability) has been performed at Invitae for this missense variant, however the output from this modeling did not meet the statistical confidence thresholds required to predict the impact of this variant on GFAP protein function. In summary, the available evidence is currently insufficient to determine the role of this variant in disease. Therefore, it has been classified as a Variant of Uncertain Significance.